The following is an entry in ClinVar:

ClinVar aggregate classification (germline): Benign/Likely benign. Review status: criteria provided, multiple submitters, no conflicts (2 of 4 stars). 5 submissions from 5 submitters: Benign (1); Likely benign (4). Last evaluated 2025-08-08.

Conditions:
Inborn genetic diseases. Identifiers: MedGen C0950123, MeSH D030342.

Allele frequency attached by ClinVar (database versions not stated): gnomAD exomes 0.00071 and 0.00034; ExAC 0.00083; ESP Exome Variant Server 0.00232; gnomAD 0.00248 and 0.00268; TOPMed 0.00297; 1000 Genomes Project 0.00339; 1000 Genomes Project 30x 0.00375.
gnomAD v4.1: 886 of 1,598,212 alleles (0.055%); highest among the groups gnomAD compares: African/African-American, 0.96%; 5 homozygotes.

Submissions (5):

Ambry Genetics
Classification: Likely benign for Inborn genetic diseases. Last evaluated: 2025-08-08. Review status: criteria provided, single submitter. Criteria: Ambry Variant Classification Scheme 2023. Collection method: clinical testing. Allele origin: germline.

CeGaT Center for Human Genetics Tuebingen
Classification: Likely benign. Last evaluated: 2022-07-01. Review status: criteria provided, single submitter. Criteria: CeGaT Center For Human Genetics Tuebingen Variant Classification Criteria Version 2. Collection method: clinical testing. Allele origin: germline. Affected: yes. Observed: 1 variant allele.
Comment: ANKLE2: BP4

Laboratorio de Genetica e Diagnostico Molecular, Hospital Israelita Albert Einstein
Classification: Likely benign. Last evaluated: 2020-02-25. Review status: criteria provided, single submitter. Criteria: ACMG Guidelines, 2015. Collection method: clinical testing. Allele origin: germline. Affected: yes.
Comment: ACMG classification criteria: BP1, BP4

Labcorp Genetics (formerly Invitae), Labcorp
Classification: Benign. Last evaluated: 2019-12-31. Review status: criteria provided, single submitter. Criteria: Invitae Variant Classification Sherloc (09022015). Collection method: clinical testing. Allele origin: germline.

Breakthrough Genomics
Classification: Likely benign. Review status: criteria provided, single submitter. Criteria: ACMG Guidelines, 2015. Collection method: not provided. Allele origin: germline. Inheritance: Autosomal recessive inheritance. Affected: yes.

NM_015114.3(ANKLE2):c.1961G>A (p.Arg654Gln)

Gene: ANKLE2 (ankyrin repeat and LEM domain containing 2; minus strand). Cytogenetic location: 12q24.33.
Variant type: single nucleotide variant.
Coding change: c.1961G>A on transcript NM_015114.3 (MANE Select); coding-DNA position 1961, G replaced by A.
Protein change: p.Arg654Gln; replaces arginine 654 with glutamine.
Molecular consequence: missense variant.
Genome position (GRCh38, 1-based): chr12:132,730,201, C>T on the plus strand (G>A on the coding strand, the complement: ANKLE2 is on the minus strand). VCF-style: chr12-132730201-C-T. GRCh37 (hg19) VCF-style: chr12-133306787-C-T.
Other names: c.1961G>A (NM_015114.1); short protein forms R654Q.
Identifiers: ClinVar variation 730329 (VCV000730329.38), dbSNP rs77116800, ClinGen allele CA6895373.